The following is an entry in ClinVar:

ClinVar aggregate classification (germline): Pathogenic (1 of 4 stars; one submission).

Conditions:
Primary ciliary dyskinesia. Also called: Ciliary dyskinesia. Identifiers: Orphanet 244, MedGen C0008780, MONDO:0016575, HP:0012265.

Submission:

Labcorp Genetics (formerly Invitae), Labcorp
Classification: Pathogenic for Primary ciliary dyskinesia. Last evaluated: 2025-11-25. Review status: criteria provided, single submitter. Criteria: Invitae Variant Classification Sherloc (09022015). Collection method: clinical testing. Allele origin: germline.
Comment: This sequence change creates a premature translational stop signal (p.Gln613*) in the CCDC39 gene. It is expected to result in an absent or disrupted protein product. Loss-of-function variants in CCDC39 are known to be pathogenic (PMID: 21131972, 23255504). This variant is not present in population databases (gnomAD no frequency). This variant has not been reported in the literature in individuals affected with CCDC39-related conditions. For these reasons, this variant has been classified as Pathogenic.

Literature cited by the submitters: PubMed 21131972; PubMed 23255504.

NM_181426.2(CCDC39):c.1837C>T (p.Gln613Ter)

Gene: CCDC39 (coiled-coil domain 39 molecular ruler complex subunit; minus strand). Cytogenetic location: 3q26.33.
Variant type: single nucleotide variant.
Coding change: c.1837C>T on transcript NM_181426.2 (MANE Select); coding-DNA position 1837, C replaced by T.
Protein change: p.Gln613Ter; replaces glutamine 613 with a stop codon.
Molecular consequence: nonsense.
Genome position (GRCh38, 1-based): chr3:180,642,030, G>A on the plus strand (C>T on the coding strand, the complement: CCDC39 is on the minus strand). VCF-style: chr3-180642030-G-A. GRCh37 (hg19) VCF-style: chr3-180359818-G-A.
Other names: short protein forms Q613*.
Identifiers: ClinVar variation 4778014 (VCV004778014.1).